The following is an entry in ClinVar:

NM_001349253.2(SCN11A):c.1389T>A (p.Asn463Lys)

Gene: SCN11A (sodium voltage-gated channel alpha subunit 11; minus strand). Cytogenetic location: 3p22.2.
Variant type: single nucleotide variant.
Coding change: c.1389T>A on transcript NM_001349253.2 (MANE Select); coding-DNA position 1389, T replaced by A.
Protein change: p.Asn463Lys; replaces asparagine 463 with lysine.
Molecular consequence: missense variant.
Genome position (GRCh38, 1-based): chr3:38,908,033, A>T on the plus strand (T>A on the coding strand, the complement: SCN11A is on the minus strand). VCF-style: chr3-38908033-A-T. GRCh37 (hg19) VCF-style: chr3-38949524-A-T.
Other names: c.1389T>A, p.Asn463Lys (NM_014139.3); short protein forms N463K.
Identifiers: ClinVar variation 953242 (VCV000953242.5), dbSNP rs745401683, ClinGen allele CA2322328.

ClinVar aggregate classification (germline): Uncertain significance (1 of 4 stars; one submission).

Conditions:
Familial episodic pain syndrome with predominantly lower limb involvement. Also called: Episodic pain syndrome, familial, 3. Identifiers: Orphanet 391384, Orphanet 391392, MedGen C3809899, MONDO:0014247, OMIM 615552.
Hereditary sensory and autonomic neuropathy type 7. Also called: HSAN VII; Neuropathy, hereditary sensory and autonomic, type VII. Identifiers: Orphanet 391397, MedGen C3809882, MONDO:0014244, OMIM 615548.

Allele frequency attached by ClinVar (database versions not stated): ExAC 0.00001; gnomAD 0.00001; gnomAD exomes 0.00001; TOPMed 0.00002.
gnomAD v4.1: 5 of 1,613,556 alleles (0.00031%); highest among the groups gnomAD compares: African/African-American, 0.0067%; no homozygotes.

Submission:

Labcorp Genetics (formerly Invitae), Labcorp
Classification: Uncertain significance for Familial episodic pain syndrome with predominantly lower limb involvement; Hereditary sensory and autonomic neuropathy type 7. Last evaluated: 2022-03-18. Review status: criteria provided, single submitter. Criteria: Invitae Variant Classification Sherloc (09022015). Collection method: clinical testing. Allele origin: germline.
Comment: In summary, the available evidence is currently insufficient to determine the role of this variant in disease. Therefore, it has been classified as a Variant of Uncertain Significance. Algorithms developed to predict the effect of missense changes on protein structure and function output the following: SIFT: "Tolerated"; PolyPhen-2: "Benign"; Align-GVGD: "Class C25". The lysine amino acid residue is found in multiple mammalian species, which suggests that this missense change does not adversely affect protein function. ClinVar contains an entry for this variant (Variation ID: 953242). This variant has not been reported in the literature in individuals affected with SCN11A-related conditions. This variant is present in population databases (rs745401683, gnomAD 0.01%). This sequence change replaces asparagine, which is neutral and polar, with lysine, which is basic and polar, at codon 463 of the SCN11A protein (p.Asn463Lys).